The following is an entry in ClinVar:

NM_025207.5(FLAD1):c.1167C>T (p.Thr389=)

Gene: FLAD1 (flavin adenine dinucleotide synthetase 1; plus strand). Cytogenetic location: 1q21.3.
Variant type: single nucleotide variant.
Coding change: c.1167C>T on transcript NM_025207.5 (MANE Select); coding-DNA position 1167, C replaced by T.
Protein change: p.Thr389=; no amino-acid change (threonine 389 retained).
Molecular consequence: synonymous variant.
Genome position (GRCh38, 1-based): chr1:154,989,609, C>T. VCF-style: chr1-154989609-C-T. GRCh37 (hg19) VCF-style: chr1-154962085-C-T.
Other names: p.Thr389=; c.876C>T, p.Thr292= (NM_001184891.2, NM_201398.3).
Identifiers: ClinVar variation 390084 (VCV000390084.3), dbSNP rs368097196, ClinGen allele CA16603450.

ClinVar aggregate classification (germline): Likely benign. Review status: criteria provided, multiple submitters, no conflicts (2 of 4 stars). 3 submissions from 3 submitters: Likely benign (3). Last evaluated 2025-07-16.

Allele frequency attached by ClinVar (database versions not stated): gnomAD 0.00001; gnomAD exomes 0.00001; TOPMed 0.00002; ESP Exome Variant Server 0.00008.

Submissions (3):

Mayo Clinic Laboratories, Mayo Clinic
Classification: Likely benign. Last evaluated: 2025-07-16. Review status: criteria provided, single submitter. Criteria: ACMG Guidelines, 2015. Collection method: clinical testing. Allele origin: germline. Observed: 1 variant allele.
Comment: BP4, BP7

Labcorp Genetics (formerly Invitae), Labcorp
Classification: Likely benign. Last evaluated: 2025-03-19. Review status: criteria provided, single submitter. Criteria: Invitae Variant Classification Sherloc (09022015). Collection method: clinical testing. Allele origin: germline.

GeneDx
Classification: Likely benign. Last evaluated: 2016-10-19. Review status: criteria provided, single submitter. Criteria: GeneDx Variant Classification (06012015). Collection method: clinical testing. Allele origin: germline. Affected: yes.
Comment: This variant is considered likely benign or benign based on one or more of the following criteria: it is a conservative change, it occurs at a poorly conserved position in the protein, it is predicted to be benign by multiple in silico algorithms, and/or has population frequency not consistent with disease.